The following is an entry in ClinVar:

NM_000642.3(AGL):c.368C>T (p.Pro123Leu)

Gene: AGL (amylo-alpha-1,6-glucosidase and 4-alpha-glucanotransferase; plus strand). Cytogenetic location: 1p21.2.
Variant type: single nucleotide variant.
Coding change: c.368C>T on transcript NM_000642.3 (MANE Select); coding-DNA position 368, C replaced by T.
Protein change: p.Pro123Leu; replaces proline 123 with leucine.
Molecular consequence: missense variant.
Genome position (GRCh38, 1-based): chr1:99,862,331, C>T. VCF-style: chr1-99862331-C-T. GRCh37 (hg19) VCF-style: chr1-100327887-C-T.
Other names: c.368C>T, p.Pro123Leu (NM_000028.3, NM_000643.3, NM_000644.3 and 5 more transcripts); c.320C>T, p.Pro107Leu (NM_000646.3); short protein forms P107L, P123L.
Identifiers: ClinVar variation 989593 (VCV000989593.2), dbSNP rs138607658, ClinGen allele CA966148.

ClinVar aggregate classification (germline): Uncertain significance. Review status: criteria provided, single submitter (1 of 4 stars). 2 submissions from 2 submitters: Uncertain significance (1). 1 of the submissions does not count toward it. Last evaluated 2025-11-21.

Conditions:
Glycogen storage disease type III (GSD3). Also called: FORBES DISEASE; Cori disease. Identifiers: Orphanet 366, MedGen C0017922, MONDO:0009291, OMIM 232400.

Allele frequency attached by ClinVar (database versions not stated): TOPMed 0.00003; ESP Exome Variant Server 0.00015.
gnomAD v4.1: 5 of 1,613,802 alleles (0.00031%); highest among the groups gnomAD compares: African/African-American, 0.0053%; no homozygotes.

Submissions (2):

Clinical Genomics Laboratory, Washington University in St. Louis
Classification: Uncertain significance for Glycogen storage disease type III. Last evaluated: 2025-11-21. Review status: criteria provided, single submitter. Criteria: ACMG Guidelines, 2015. Collection method: clinical testing. Allele origin: germline.
Comment: An AGL c.368C>T (p.Pro123Leu) variant was identified in a heterozygous state. This variant, to our knowledge, has not been reported in the medical literature but has been reported in the ClinVar database as a germline variant of uncertain significance by one submitter (Variation ID: 989593). It is only observed in 5/1,613,802 alleles in the general population (gnomAD v4.1.0), indicating it is not a common variant. Computational predictors are uncertain as to the impact of this variant on AGL function. Due to limited information, and based on ACMG/AMP guidelines for variant interpretation (Richards S et al., PMID: 25741868), the clinical significance of this variant is uncertain at this time.

Natera, Inc.
Classification: Uncertain significance for Glycogen storage disease type III. Last evaluated: 2020-08-13. Review status: no assertion criteria provided. Collection method: clinical testing. Allele origin: germline. Not counted in ClinVar's aggregate classification.